The following is an entry in ClinVar:

ClinVar aggregate classification (germline): Uncertain significance. Review status: criteria provided, multiple submitters, no conflicts (2 of 4 stars). 2 submissions from 2 submitters: Uncertain significance (2). Last evaluated 2026-01-20.

Conditions:
Autosomal recessive severe congenital neutropenia due to G6PC3 deficiency. Also called: NEUTROPENIA, SEVERE CONGENITAL, 4, AUTOSOMAL RECESSIVE; G6PC3 Deficiency. Identifiers: Orphanet 331176, MedGen C2751630, MONDO:0012930, OMIM 612541.

Allele frequency attached by ClinVar (database versions not stated): gnomAD 0.00001 and 0.00003; gnomAD exomes 0.00001 and 0.00002; TOPMed 0.00001; ExAC 0.00002.
gnomAD v4.1: 17 of 1,613,568 alleles (0.0011%); highest among the groups gnomAD compares: East Asian, 0.013%; no homozygotes.

Submissions (2):

Labcorp Genetics (formerly Invitae), Labcorp
Classification: Uncertain significance for Autosomal recessive severe congenital neutropenia due to G6PC3 deficiency. Last evaluated: 2026-01-20. Review status: criteria provided, single submitter. Criteria: Invitae Variant Classification Sherloc (09022015). Collection method: clinical testing. Allele origin: germline.
Comment: This sequence change replaces arginine, which is basic and polar, with cysteine, which is neutral and slightly polar, at codon 138 of the G6PC3 protein (p.Arg138Cys). This variant is present in population databases (rs762486955, gnomAD 0.03%). This variant has not been reported in the literature in individuals affected with G6PC3-related conditions. ClinVar contains an entry for this variant (Variation ID: 1439836). Invitae Evidence Modeling of protein sequence and biophysical properties (such as structural, functional, and spatial information, amino acid conservation, physicochemical variation, residue mobility, and thermodynamic stability) has been performed for this missense variant. However, the output from this modeling did not meet the statistical confidence thresholds required to predict the impact of this variant on G6PC3 protein function. In summary, the available evidence is currently insufficient to determine the role of this variant in disease. Therefore, it has been classified as a Variant of Uncertain Significance.

CeGaT Center for Human Genetics Tuebingen
Classification: Uncertain significance. Last evaluated: 2025-01-01. Review status: criteria provided, single submitter. Criteria: CeGaT Center For Human Genetics Tuebingen Variant Classification Criteria Version 2. Collection method: clinical testing. Allele origin: germline. Affected: yes. Observed: 1 variant allele.
Comment: G6PC3: PM2, BP4

NM_138387.4(G6PC3):c.412C>T (p.Arg138Cys)

Gene: G6PC3 (glucose-6-phosphatase catalytic subunit 3; plus strand). Cytogenetic location: 17q21.31.
Variant type: single nucleotide variant.
Coding change: c.412C>T on transcript NM_138387.4 (MANE Select); coding-DNA position 412, C replaced by T.
Protein change: p.Arg138Cys; replaces arginine 138 with cysteine.
Molecular consequence: missense variant.
Genome position (GRCh38, 1-based): chr17:44,074,766, C>T. VCF-style: chr17-44074766-C-T. GRCh37 (hg19) VCF-style: chr17-42152134-C-T.
Other names: c.412C>T, p.Arg138Cys (NM_001319945.2); c.67C>T, p.Arg23Cys (NM_001384165.1, NM_001384166.1, NM_001384167.1 and 1 more transcripts); short protein forms R23C, R138C.
Identifiers: ClinVar variation 1439836 (VCV001439836.20), dbSNP rs762486955, ClinGen allele CA8596004.